The following is an entry in ClinVar:

ClinVar aggregate classification (germline): Conflicting classifications of pathogenicity. Review status: criteria provided, conflicting classifications (1 of 4 stars). 10 submissions from 10 submitters: Likely pathogenic (2); Uncertain significance (3). 5 of the submissions do not count toward it. Last evaluated 2025-07-27.

Conditions:
Cardiomyopathy (CMYO). Also called: Cardiomyopathies. Identifiers: Orphanet 167848, MedGen C0878544, MONDO:0004994, HP:0001638. Inheritance: Various modes of inheritance.
Cardiovascular phenotype. Identifiers: MedGen CN230736.
TNNT2-related disorder. Also called: TNNT2-related condition.
Dilated cardiomyopathy 1D. Identifiers: Orphanet 154, Orphanet 54260, MedGen C1832243, MONDO:0011095, OMIM 601494.
Hypertrophic cardiomyopathy 2. Also called: TNNT2-Related Familial Hypertrophic Cardiomyopathy. Identifiers: MedGen C1861864, MONDO:0007266, OMIM 115195.
Cardiomyopathy, familial restrictive, 3. Identifiers: Orphanet 75249, MedGen C2676271, MONDO:0012900, OMIM 612422.

Allele frequency attached by ClinVar (database versions not stated): gnomAD exomes below 0.00001; TOPMed below 0.00001; gnomAD 0.00001.
gnomAD v4.1: 4 of 1,613,996 alleles (0.00025%); highest among the groups gnomAD compares: Non-Finnish European, 0.00034%; no homozygotes.

Submissions (10):

Labcorp Genetics (formerly Invitae), Labcorp
Classification: Uncertain significance for Cardiomyopathy, familial restrictive, 3; Hypertrophic cardiomyopathy 2; Dilated cardiomyopathy 1D. Last evaluated: 2025-07-27. Review status: criteria provided, single submitter. Criteria: Invitae Variant Classification Sherloc (09022015). Collection method: clinical testing. Allele origin: germline.
Comment: This sequence change replaces glutamic acid, which is acidic and polar, with lysine, which is basic and polar, at codon 83 of the TNNT2 protein (p.Glu83Lys). This variant is present in population databases (rs727504244, gnomAD 0.007%). This missense change has been observed in individual(s) with Brugada syndrome and/or hypertrophic cardiomyopathy (PMID: 22144547, 27532257, 27600940, 30847666, 32290750, 37652022). This variant is also known as c.277G>A, p.Glu93Lys. ClinVar contains an entry for this variant (Variation ID: 177632). Invitae Evidence Modeling of protein sequence and biophysical properties (such as structural, functional, and spatial information, amino acid conservation, physicochemical variation, residue mobility, and thermodynamic stability) has been performed for this missense variant. However, the output from this modeling did not meet the statistical confidence thresholds required to predict the impact of this variant on TNNT2 protein function. Experimental studies are conflicting or provide insufficient evidence to determine the effect of this variant on TNNT2 function (PMID: 33025817). In summary, the available evidence is currently insufficient to determine the role of this variant in disease. Therefore, it has been classified as a Variant of Uncertain Significance.

GeneDx
Classification: Likely pathogenic. Last evaluated: 2025-04-10. Review status: criteria provided, single submitter. Criteria: GeneDx Variant Classification Process June 2021. Collection method: clinical testing. Allele origin: germline. Affected: yes.
Comment: Published in association with HCM, though patient-specific data were not provided (PMID: 22144547, 27600940, 27532257, 30847666, 37652022); Not observed at significant frequency in large population cohorts (gnomAD); In vitro transcriptional assays showed transcriptional changes and altered contractility similar to other known pathogenic variants (PMID: 33025817); In silico analysis supports that this missense variant has a deleterious effect on protein structure/function; This variant is associated with the following publications: (PMID: 15631686, 27532257, 12746413, 27600940, 22144547, 37652022, 30847666, 34310159, 33025817)

Ambry Genetics
Classification: Uncertain significance for Cardiovascular phenotype. Last evaluated: 2025-04-02. Review status: criteria provided, single submitter. Criteria: Ambry Variant Classification Scheme 2023. Collection method: clinical testing. Allele origin: germline.
Comment: The p.E83K variant (also known as c.247G>A), located in coding exon 7 of the TNNT2 gene, results from a G to A substitution at nucleotide position 247. The glutamic acid at codon 83 is replaced by lysine, an amino acid with similar properties. This alteration has been reported in hypertrophic cardiomyopathy (HCM) cohorts; however, clinical details were limited (Mogensen J et al. J Med Genet, 2003 May;40:e59; Cecconi M et al. Int J Mol Med, 2016 Oct;38:1111-24; Walsh R et al. Genet Med, 2017 Feb;19:192-203; van Lint FHM et al. Neth Heart J, 2019 Jun;27:304-309; Hughes RK et al. J Am Heart Assoc, 2021 Aug;10:e020227). This amino acid position is highly conserved in available vertebrate species. In addition, this alteration is predicted to be deleterious by in silico analysis. Since supporting evidence is limited at this time, the clinical significance of this alteration remains unclear.

Blueprint Genetics
Classification: Likely pathogenic for TNNT2-related disorders. Last evaluated: 2024-11-04. Review status: criteria provided, single submitter. Criteria: ACMG Guidelines, 2015. Collection method: clinical testing. Allele origin: germline. Affected: yes. Observed: 2 variant alleles.

CHEO Genetics Diagnostic Laboratory, Children's Hospital of Eastern Ontario
Classification: Uncertain significance for Cardiomyopathy. Last evaluated: 2021-06-16. Review status: criteria provided, single submitter. Criteria: ACMG Guidelines, 2015. Collection method: clinical testing. Allele origin: germline.

Laboratory for Molecular Medicine, Mass General Brigham Personalized Medicine
Classification: Uncertain significance. Last evaluated: 2014-10-29. Review status: no assertion criteria provided. Collection method: clinical testing. Allele origin: germline. Observed: 1 variant allele. Not counted in ClinVar's aggregate classification.
Comment: proposed classification - variant undergoing re-assessment, contact laboratory

Clinical Genetics DNA and cytogenetics Diagnostics Lab, Erasmus MC, Erasmus Medical Center
Classification: Likely pathogenic. Review status: no assertion criteria provided. Collection method: clinical testing. Allele origin: germline. Affected: yes. Study: VKGL Data-share Consensus. Not counted in ClinVar's aggregate classification.

Clinical Genetics, Academic Medical Center
Classification: Pathogenic. Review status: no assertion criteria provided. Collection method: clinical testing. Allele origin: germline. Affected: yes. Study: VKGL Data-share Consensus. Not counted in ClinVar's aggregate classification.

Genome Diagnostics Laboratory, University Medical Center Utrecht
Classification: Likely pathogenic. Review status: no assertion criteria provided. Collection method: clinical testing. Allele origin: germline. Affected: yes. Study: VKGL Data-share Consensus. Not counted in ClinVar's aggregate classification.

Joint Genome Diagnostic Labs from Nijmegen and Maastricht, Radboudumc and MUMC+
Classification: Pathogenic. Review status: no assertion criteria provided. Collection method: clinical testing. Allele origin: germline. Affected: yes. Study: VKGL Data-share Consensus. Not counted in ClinVar's aggregate classification.

Literature cited by the submitters: PubMed 22144547 (cited by Labcorp Genetics (formerly Invitae), Labcorp and Laboratory for Molecular Medicine, Mass General Brigham Personalized Medicine); PubMed 27532257 (cited by 3 submitters); PubMed 27600940 (cited by Labcorp Genetics (formerly Invitae), Labcorp and Ambry Genetics); PubMed 30847666 (cited by Labcorp Genetics (formerly Invitae), Labcorp and Ambry Genetics); PubMed 32290750 (cited by Labcorp Genetics (formerly Invitae), Labcorp); PubMed 37652022 (cited by Labcorp Genetics (formerly Invitae), Labcorp); PubMed 33025817 (cited by Labcorp Genetics (formerly Invitae), Labcorp); PubMed 12746413 (cited by Ambry Genetics and Laboratory for Molecular Medicine, Mass General Brigham Personalized Medicine); PubMed 15631686 (cited by Ambry Genetics and Laboratory for Molecular Medicine, Mass General Brigham Personalized Medicine); PubMed 34310159 (cited by Ambry Genetics).

NM_001276345.2(TNNT2):c.277G>A (p.Glu93Lys)

Gene: TNNT2 (troponin T2, cardiac type; minus strand). Cytogenetic location: 1q32.1.
Variant type: single nucleotide variant.
Coding change: c.277G>A on transcript NM_001276345.2 (MANE Select); coding-DNA position 277, G replaced by A.
Protein change: p.Glu93Lys; replaces glutamic acid 93 with lysine.
Molecular consequence: missense variant.
Genome position (GRCh38, 1-based): chr1:201,365,627, C>T on the plus strand (G>A on the coding strand, the complement: TNNT2 is on the minus strand). VCF-style: chr1-201365627-C-T. GRCh37 (hg19) VCF-style: chr1-201334755-C-T.
Other names: c.277G>A, p.Glu93Lys (NM_000364.4); c.247G>A, p.Glu83Lys (NM_001001430.3, NM_001001431.3, NM_001276347.2); c.232G>A, p.Glu78Lys (NM_001001432.3); c.274G>A, p.Glu92Lys (NM_001276346.2); short protein forms E83K, E93K, E92K, E78K.
Identifiers: ClinVar variation 177632 (VCV000177632.29), dbSNP rs727504244, ClinGen allele CA004202.